The following is an entry in ClinVar:

Conditions:
Long QT syndrome 5 (LQT5). Identifiers: Orphanet 101016, Orphanet 768, MedGen C1867904, MONDO:0013372, OMIM 613695.

gnomAD v4.1: 3 of 1,578,288 alleles (0.00019%); highest among the groups gnomAD compares: South Asian, 0.0022%; no homozygotes.

Submission:

Roden Lab, Vanderbilt University Medical Center
No classification provided (evidence only). Condition: Long QT syndrome 5. Review status: no classification provided. Collection method: in vitro. Allele origin: not applicable. Functional consequence: Effect on ion channel function.
ClinVar note: "not provided" was previously submitted as the classification for the variant. However, the classification appeared to be based only on an observation of functional data so it was converted to no classification on 2025-07-30.

NM_000219.6(KCNE1):c.297C>T (p.Val99=)

Gene: KCNE1 (potassium voltage-gated channel subfamily E regulatory subunit 1; minus strand). Cytogenetic location: 21q22.12.
Variant type: single nucleotide variant.
Coding change: c.297C>T on transcript NM_000219.6 (MANE Select); coding-DNA position 297, C replaced by T.
Protein change: p.Val99=; no amino-acid change (valine 99 retained).
Molecular consequence: synonymous variant.
Genome position (GRCh38, 1-based): chr21:34,449,338, G>A on the plus strand (C>T on the coding strand, the complement: KCNE1 is on the minus strand). VCF-style: chr21-34449338-G-A. GRCh37 (hg19) VCF-style: chr21-35821636-G-A.
Other names: c.297C>T, p.Val99= (NM_001127668.4, NM_001127669.4, NM_001127670.4 and 4 more transcripts).
Identifiers: ClinVar variation 3374565 (VCV003374565.2).
Genomic context (GRCh38, chr21:34,449,338, plus strand): 5'-GTTGGGTTGTTCTATGGCCAGATGGTTTTCAACGACATAGCACGACCTGTAGCTCTCCAG[G>A]ACCCGGGCCTGGACATAGGCCTTGTCCTTCTCTTGCCAGGCATCGGACTCGATGTAGACG-3'
Protein context (NP_000210.2, residues 89-109): EKDKAYVQAR[Val99=]LESYRSCYVV